The following is an entry in ClinVar:

NM_001371596.2(MFSD8):c.1103-10_1103-6del

Gene: MFSD8 (major facilitator superfamily domain containing 8; minus strand). Cytogenetic location: 4q28.2.
Variant type: Microsatellite.
Coding change: c.1103-10_1103-6del on transcript NM_001371596.2 (MANE Select); 10 bases into the intron before coding-DNA position 1103 through 6 bases into the intron before coding-DNA position 1103, 5 bases deleted (GTTTT; older notation c.1103-10_1103-6delGTTTT).
Molecular consequence: intron variant.
Genome position (GRCh38, 1-based): chr4:127,921,777-127,921,781, AAAAC deleted on the plus strand (GTTTT on the coding strand, the reverse complement: MFSD8 is on the minus strand); deleting any 5 consecutive bases within chr4:127,921,777-127,921,786 gives the same sequence; the c. name uses the placement nearest the transcript's 3' end. VCF-style (leftmost placement, unchanged base first): chr4-127921776-AAAAAC-A. GRCh37 (hg19) VCF-style: chr4-128842931-AAAAAC-A.
Other names: c.821-10_821-6del (NM_001371595.1); c.653-10_653-6del (NM_001410765.1); c.968-10_968-6del (NM_001371590.2); c.1103-10_1103-6del (NM_152778.4, NM_001371591.2); c.788-10_788-6del (NM_001363521.3); c.885-10_885-6del (NM_001410766.1); c.989-10_989-6del (NM_001371593.2); c.902-10_902-6del (NM_001363520.3); and 2 more.
Identifiers: ClinVar variation 506491 (VCV000506491.8), dbSNP rs1212979817, ClinGen allele CA555019803.

ClinVar aggregate classification (germline): Conflicting classifications of pathogenicity. Review status: criteria provided, conflicting classifications (1 of 4 stars). 2 submissions from 2 submitters: Uncertain significance (1); Likely benign (1). Last evaluated 2024-11-05.

Conditions:
Neuronal ceroid lipofuscinosis 7 (CLN7). Also called: MFSD8-Related Neuronal Ceroid-Lipofuscinosis. Identifiers: Orphanet 168491, Orphanet 228366, MedGen C1838571, MONDO:0012588, OMIM 610951.

Submissions (2):

Labcorp Genetics (formerly Invitae), Labcorp
Classification: Uncertain significance for Neuronal ceroid lipofuscinosis 7. Last evaluated: 2024-11-05. Review status: criteria provided, single submitter. Criteria: Invitae Variant Classification Sherloc (09022015). Collection method: clinical testing. Allele origin: germline.
Comment: This sequence change falls in intron 11 of the MFSD8 gene. It does not directly change the encoded amino acid sequence of the MFSD8 protein. This variant is present in population databases (no rsID available, gnomAD 0.01%). This variant has not been reported in the literature in individuals affected with MFSD8-related conditions. Algorithms developed to predict the effect of sequence changes on RNA splicing suggest that this variant may disrupt the consensus splice site. In summary, the available evidence is currently insufficient to determine the role of this variant in disease. Therefore, it has been classified as a Variant of Uncertain Significance.

GeneDx
Classification: Likely benign. Last evaluated: 2023-03-15. Review status: criteria provided, single submitter. Criteria: GeneDx Variant Classification Process June 2021. Collection method: clinical testing. Allele origin: germline. Affected: yes.
Comment: See Variant Classification Assertion Criteria.